The following is an entry in ClinVar:

ClinVar aggregate classification (germline): Uncertain significance. Review status: criteria provided, multiple submitters, no conflicts (2 of 4 stars). 2 submissions from 2 submitters: Uncertain significance (2). Last evaluated 2021-12-23.

Allele frequency attached by ClinVar (database versions not stated): gnomAD exomes below 0.00001; ExAC 0.00001; gnomAD 0.00001; TOPMed 0.00001.
gnomAD v4.1: 3 of 1,612,174 alleles (0.00019%); highest among the groups gnomAD compares: African/African-American, 0.0027%; no homozygotes.

Submissions (2):

Labcorp Genetics (formerly Invitae), Labcorp
Classification: Uncertain significance. Last evaluated: 2021-12-23. Review status: criteria provided, single submitter. Criteria: Invitae Variant Classification Sherloc (09022015). Collection method: clinical testing. Allele origin: germline.
Comment: This sequence change replaces arginine, which is basic and polar, with glutamine, which is neutral and polar, at codon 2260 of the ADGRV1 protein (p.Arg2260Gln). The frequency data for this variant in the population databases is considered unreliable, as metrics indicate poor data quality at this position in the gnomAD database. This variant has not been reported in the literature in individuals affected with ADGRV1-related conditions. Algorithms developed to predict the effect of missense changes on protein structure and function are either unavailable or do not agree on the potential impact of this missense change (SIFT: "Deleterious"; PolyPhen-2: "Possibly Damaging"; Align-GVGD: "Class C0"). In summary, the available evidence is currently insufficient to determine the role of this variant in disease. Therefore, it has been classified as a Variant of Uncertain Significance.

Blueprint Genetics
Classification: Uncertain significance. Last evaluated: 2021-12-01. Review status: criteria provided, single submitter. Criteria: ACMG Guidelines, 2015. Collection method: clinical testing. Allele origin: germline.

NM_032119.4(ADGRV1):c.6779G>A (p.Arg2260Gln)

Gene: ADGRV1 (adhesion G protein-coupled receptor V1; plus strand). Cytogenetic location: 5q14.3.
Variant type: single nucleotide variant.
Coding change: c.6779G>A on transcript NM_032119.4 (MANE Select); coding-DNA position 6779, G replaced by A.
Protein change: p.Arg2260Gln; replaces arginine 2260 with glutamine.
Molecular consequence: missense variant. On other transcripts: non-coding transcript variant (1).
Genome position (GRCh38, 1-based): chr5:90,690,869, G>A. VCF-style: chr5-90690869-G-A. GRCh37 (hg19) VCF-style: chr5-89986686-G-A.
Other names: short protein forms R2260Q.
Identifiers: ClinVar variation 1953205 (VCV001953205.3), dbSNP rs749204963, ClinGen allele CA3339874.